The following is an entry in ClinVar:

ClinVar aggregate classification (germline): Uncertain significance (1 of 4 stars; one submission).

Allele frequency attached by ClinVar (database versions not stated): gnomAD exomes below 0.00001.
gnomAD v4.1: 1 of 1,613,908 alleles (0.000062%); highest among the groups gnomAD compares: Non-Finnish European, 0.000085%; no homozygotes.

Submission:

Labcorp Genetics (formerly Invitae), Labcorp
Classification: Uncertain significance. Last evaluated: 2023-01-30. Review status: criteria provided, single submitter. Criteria: Invitae Variant Classification Sherloc (09022015). Collection method: clinical testing. Allele origin: germline.
Comment: In summary, the available evidence is currently insufficient to determine the role of this variant in disease. Therefore, it has been classified as a Variant of Uncertain Significance. Algorithms developed to predict the effect of missense changes on protein structure and function (SIFT, PolyPhen-2, Align-GVGD) all suggest that this variant is likely to be tolerated. This variant has not been reported in the literature in individuals affected with CACNA2D4-related conditions. This variant is not present in population databases (gnomAD no frequency). This sequence change replaces valine, which is neutral and non-polar, with leucine, which is neutral and non-polar, at codon 362 of the CACNA2D4 protein (p.Val362Leu).

NM_172364.5(CACNA2D4):c.1084G>C (p.Val362Leu)

Gene: CACNA2D4 (calcium voltage-gated channel auxiliary subunit alpha2delta 4; minus strand). Cytogenetic location: 12p13.33.
Variant type: single nucleotide variant.
Coding change: c.1084G>C on transcript NM_172364.5 (MANE Select); coding-DNA position 1084, G replaced by C.
Protein change: p.Val362Leu; replaces valine 362 with leucine.
Molecular consequence: missense variant.
Genome position (GRCh38, 1-based): chr12:1,885,061, C>G on the plus strand (G>C on the coding strand, the complement: CACNA2D4 is on the minus strand). VCF-style: chr12-1885061-C-G. GRCh37 (hg19) VCF-style: chr12-1994227-C-G.
Other names: short protein forms V362L.
Identifiers: ClinVar variation 2963609 (VCV002963609.3), dbSNP rs1866103032, ClinGen allele CA383359507.